The following is an entry in ClinVar:

ClinVar aggregate classification (germline): Uncertain significance (1 of 4 stars; one submission).

Conditions:
DICER1-related tumor predisposition. Also called: DICER1-related pleuropulmonary blastoma cancer predisposition syndrome; DICER1 syndrome. Identifiers: Orphanet 284343, MedGen C3839822, MONDO:0100216.

Submission:

Labcorp Genetics (formerly Invitae), Labcorp
Classification: Uncertain significance for DICER1-related tumor predisposition. Last evaluated: 2024-02-23. Review status: criteria provided, single submitter. Criteria: Invitae Variant Classification Sherloc (09022015). Collection method: clinical testing. Allele origin: germline.
Comment: This sequence change replaces serine, which is neutral and polar, with proline, which is neutral and non-polar, at codon 678 of the DICER1 protein (p.Ser678Pro). This variant is not present in population databases (gnomAD no frequency). This variant has not been reported in the literature in individuals affected with DICER1-related conditions. ClinVar contains an entry for this variant (Variation ID: 1481966). Advanced modeling of protein sequence and biophysical properties (such as structural, functional, and spatial information, amino acid conservation, physicochemical variation, residue mobility, and thermodynamic stability) performed at Invitae indicates that this missense variant is not expected to disrupt DICER1 protein function with a negative predictive value of 80%. In summary, the available evidence is currently insufficient to determine the role of this variant in disease. Therefore, it has been classified as a Variant of Uncertain Significance.

NM_177438.3(DICER1):c.2032T>C (p.Ser678Pro)

Gene: DICER1 (dicer 1, ribonuclease III; minus strand). Cytogenetic location: 14q32.13.
Variant type: single nucleotide variant.
Coding change: c.2032T>C on transcript NM_177438.3 (MANE Select); coding-DNA position 2032, T replaced by C.
Protein change: p.Ser678Pro; replaces serine 678 with proline.
Molecular consequence: missense variant.
Genome position (GRCh38, 1-based): chr14:95,113,100, A>G on the plus strand (T>C on the coding strand, the complement: DICER1 is on the minus strand). VCF-style: chr14-95113100-A-G. GRCh37 (hg19) VCF-style: chr14-95579437-A-G.
Other names: c.2032T>C, p.Ser678Pro (NM_001195573.1, NM_001271282.3, NM_001291628.2 and 1 more transcripts); short protein forms S678P.
Identifiers: ClinVar variation 1481966 (VCV001481966.9), dbSNP rs377269341, ClinGen allele CA390883171.